The following is an entry in ClinVar:

NM_000142.5(FGFR3):c.1722C>A (p.Gly574=)

Gene: FGFR3 (fibroblast growth factor receptor 3; plus strand). Cytogenetic location: 4p16.3.
Variant type: single nucleotide variant.
Coding change: c.1722C>A on transcript NM_000142.5 (MANE Select); coding-DNA position 1722, C replaced by A.
Protein change: p.Gly574=; no amino-acid change (glycine 574 retained).
Molecular consequence: synonymous variant. On other transcripts: non-coding transcript variant (1).
Genome position (GRCh38, 1-based): chr4:1,805,826, C>A. VCF-style: chr4-1805826-C-A. GRCh37 (hg19) VCF-style: chr4-1807553-C-A.
Other names: c.1728C>A, p.Gly576= (NM_001163213.2); c.1725C>A, p.Gly575= (NM_001354809.2, NM_001354810.2); c.1386C>A, p.Gly462= (NM_022965.4).
Identifiers: ClinVar variation 3668197 (VCV003668197.3).

ClinVar aggregate classification (germline): Likely benign. Review status: criteria provided, multiple submitters, no conflicts (2 of 4 stars). 2 submissions from 2 submitters: Likely benign (2). Last evaluated 2025-09-05.

Conditions:
FGFR3-related disorder. Also called: FGFR3-related disorders.

gnomAD v4.1: 14 of 1,612,432 alleles (0.00087%); highest among the groups gnomAD compares: African/African-American, 0.015%; no homozygotes.

Submissions (2):

PreventionGenetics, part of Exact Sciences
Classification: Likely benign for FGFR3-related condition. Last evaluated: 2025-09-05. Review status: criteria provided, single submitter. Criteria: ACMG Guidelines, 2015. Collection method: clinical testing. Allele origin: germline.
Comment: This variant is classified as likely benign based on ACMG/AMP sequence variant interpretation guidelines (Richards et al. 2015 PMID: 25741868, with internal and published modifications).

Labcorp Genetics (formerly Invitae), Labcorp
Classification: Likely benign. Last evaluated: 2024-04-25. Review status: criteria provided, single submitter. Criteria: Invitae Variant Classification Sherloc (09022015). Collection method: clinical testing. Allele origin: germline.